The following is an entry in ClinVar:

ClinVar aggregate classification (germline): Pathogenic (1 of 4 stars; one submission).

Conditions:
Asphyxiating thoracic dystrophy 3. Also called: SHORT-RIB THORACIC DYSPLASIA 3 WITH OR WITHOUT POLYDACTYLY; POLYDACTYLY WITH NEONATAL CHONDRODYSTROPHY, TYPE I; SHORT-RIB THORACIC DYSPLASIA 3/6 WITH POLYDACTYLY, DIGENIC; Short rib polydactyly syndrome 2B; Saldino-Noonan Syndrome. Identifiers: Orphanet 474, Orphanet 93269, Orphanet 93270, Orphanet 93271, MedGen C0036069, MONDO:0013127, OMIM 613091.

Submission:

Myriad Genetics, Inc.
Classification: Pathogenic for Asphyxiating thoracic dystrophy 3. Last evaluated: 2025-05-15. Review status: criteria provided, single submitter. Criteria: Myriad Autosomal Dominant, Autosomal Recessive and X-Linked Classification Criteria (2023). Collection method: clinical testing. Allele origin: unknown.
Comment: NM_001377.2(DYNC2H1):c.7201C>T(Q2401*) is expected to be pathogenic in the context of DYNC2H1-related disorders. This variant is predicted to lead to an abnormal or absent protein product due to the creation of a premature termination codon in DYNC2H1, a gene where loss-of-function variants are known to be pathogenic. Please note: this variant was assessed in the context of healthy population screening.

NM_001377.3(DYNC2H1):c.7201C>T (p.Gln2401Ter)

Gene: DYNC2H1 (dynein cytoplasmic 2 heavy chain 1; plus strand). Cytogenetic location: 11q22.3.
Variant type: single nucleotide variant.
Coding change: c.7201C>T on transcript NM_001377.3 (MANE Select); coding-DNA position 7201, C replaced by T.
Protein change: p.Gln2401Ter; replaces glutamine 2401 with a stop codon.
Molecular consequence: nonsense.
Genome position (GRCh38, 1-based): chr11:103,188,557, C>T. VCF-style: chr11-103188557-C-T. GRCh37 (hg19) VCF-style: chr11-103059286-C-T.
Other names: c.7201C>T, p.Gln2401Ter (NM_001080463.2); short protein forms Q2401*.
Identifiers: ClinVar variation 5014445 (VCV005014445.1).